The following is an entry in ClinVar:

NM_031924.8(RSPH3):c.-220C>A

Gene: RSPH3 (radial spoke head 3; minus strand). Cytogenetic location: 6q25.3.
Variant type: single nucleotide variant.
Coding change: c.-220C>A on transcript NM_031924.8 (MANE Select); 220 bases upstream of the start codon, C replaced by A.
Molecular consequence: 5 prime UTR variant. On other transcripts: synonymous variant (1), non-coding transcript variant (1).
Genome position (GRCh38, 1-based): chr6:158,999,770, G>T on the plus strand (C>A on the coding strand, the complement: RSPH3 is on the minus strand). VCF-style: chr6-158999770-G-T. GRCh37 (hg19) VCF-style: chr6-159420802-G-T.
Other names: p.Pro69=; c.207C>A, p.Pro69= (NM_001346418.1); c.207C>A (NM_031924.6).
Identifiers: ClinVar variation 475826 (VCV000475826.15), dbSNP rs41267757, ClinGen allele CA4076078.
Genomic context (GRCh38, chr6:158,999,770, plus strand): 5'-ACCAGCGCAGGAGGTGGGAGCTATACTGGGCTCGCTCCCAGCACCACAGAGACCAGCTGC[G>T]GGGGCCGCATCGGTTGCCCAGCAACCCAGGGTTCTGTCTGGGGGCGGGAACTCCGGGCAG-3'

ClinVar aggregate classification (germline): Benign/Likely benign. Review status: criteria provided, multiple submitters, no conflicts (2 of 4 stars). 6 submissions from 6 submitters: Benign (3); Likely benign (3). Last evaluated 2026-02-01.

Conditions:
Primary ciliary dyskinesia 32. Also called: CILIARY DYSKINESIA, PRIMARY, 32, WITHOUT SITUS INVERSUS. Identifiers: Orphanet 244, MedGen C4225311, MONDO:0014657, OMIM 616481.

Allele frequency attached by ClinVar (database versions not stated): 1000 Genomes Project 0.01458; 1000 Genomes Project 30x 0.01562; gnomAD 0.01586; gnomAD exomes 0.01669; ExAC 0.01686; TOPMed 0.01794; ESP Exome Variant Server 0.02015.
gnomAD v4.1: 34,260 of 1,610,958 alleles (2.1%); highest among the groups gnomAD compares: Middle Eastern, 2.5%; 414 homozygotes.

Submissions (6):

Labcorp Genetics (formerly Invitae), Labcorp
Classification: Benign for Primary ciliary dyskinesia 32. Last evaluated: 2026-02-01. Review status: criteria provided, single submitter. Criteria: Invitae Variant Classification Sherloc (09022015). Collection method: clinical testing. Allele origin: germline.

Blueprint Genetics
Classification: Likely benign. Last evaluated: 2024-11-26. Review status: criteria provided, single submitter. Criteria: ACMG Guidelines, 2015. Collection method: clinical testing. Allele origin: germline.

Mayo Clinic Laboratories, Mayo Clinic
Classification: Benign. Last evaluated: 2024-04-29. Review status: criteria provided, single submitter. Criteria: ACMG Guidelines, 2015. Collection method: clinical testing. Allele origin: germline. Observed: 9 variant alleles.
Comment: BS1, BS2, BP4, BP7

ARUP Laboratories, Molecular Genetics and Genomics, ARUP Laboratories
Classification: Benign for Primary ciliary dyskinesia 32. Last evaluated: 2023-11-09. Review status: criteria provided, single submitter. Criteria: ARUP Molecular Germline Variant Investigation Process 2024. Collection method: clinical testing. Allele origin: germline.

GeneDx
Classification: Likely benign. Last evaluated: 2020-10-13. Review status: criteria provided, single submitter. Criteria: GeneDx Variant Classification Process June 2021. Collection method: clinical testing. Allele origin: germline. Affected: yes.

Breakthrough Genomics
Classification: Likely benign. Review status: criteria provided, single submitter. Criteria: ACMG Guidelines, 2015. Collection method: not provided. Allele origin: germline. Inheritance: Autosomal recessive inheritance. Affected: yes.